The following is an entry in ClinVar:

ClinVar aggregate classification (germline): Pathogenic (1 of 4 stars; one submission).

Conditions:
Muscular dystrophy-dystroglycanopathy (congenital with impaired intellectual development), type B, 1. Also called: MUSCULAR DYSTROPHY, CONGENITAL, POMT1-RELATED; Muscular dystrophy-dystroglycanopathy (congenital with intellectual disability), type B1. Identifiers: MedGen C5436962, MONDO:0013159, OMIM 613155.
Walker-Warburg congenital muscular dystrophy. Also called: Muscular dystrophy-dystroglycanopathy, type A; Walker-Warburg syndrome. Identifiers: Orphanet 899, MedGen C0265221, MONDO:0000171.
Autosomal recessive limb-girdle muscular dystrophy type 2K. Also called: MUSCULAR DYSTROPHY-DYSTROGLYCANOPATHY (LIMB-GIRDLE), TYPE C, 1; MUSCULAR DYSTROPHY, LIMB-GIRDLE, TYPE 2K. Identifiers: Orphanet 86812, MedGen C1836373, MONDO:0012248, OMIM 609308.

gnomAD v4.1: 1 of 1,614,194 alleles (0.000062%); highest among the groups gnomAD compares: East Asian, 0.0022%; no homozygotes.

Submission:

Labcorp Genetics (formerly Invitae), Labcorp
Classification: Pathogenic for Muscular dystrophy-dystroglycanopathy (congenital with impaired intellectual development), type B, 1; Walker-Warburg congenital muscular dystrophy; Autosomal recessive limb-girdle muscular dystrophy type 2K. Last evaluated: 2024-02-14. Review status: criteria provided, single submitter. Criteria: Invitae Variant Classification Sherloc (09022015). Collection method: clinical testing. Allele origin: germline.
Comment: This sequence change creates a premature translational stop signal (p.Tyr282*) in the POMT1 gene. It is expected to result in an absent or disrupted protein product. Loss-of-function variants in POMT1 are known to be pathogenic (PMID: 12369018, 15637732, 16575835). This variant is present in population databases (no rsID available, gnomAD 0.006%). This variant has not been reported in the literature in individuals affected with POMT1-related conditions. Algorithms developed to predict the effect of sequence changes on RNA splicing suggest that this variant may disrupt the consensus splice site. For these reasons, this variant has been classified as Pathogenic.

Literature cited by the submitters: PubMed 12369018; PubMed 15637732; PubMed 16575835.

NM_001077365.2(POMT1):c.780C>G (p.Tyr260Ter)

Gene: POMT1 (protein O-mannosyltransferase 1; plus strand). Cytogenetic location: 9q34.13.
Variant type: single nucleotide variant.
Coding change: c.780C>G on transcript NM_001077365.2 (MANE Select); coding-DNA position 780, C replaced by G.
Protein change: p.Tyr260Ter; replaces tyrosine 260 with a stop codon.
Molecular consequence: nonsense. On other transcripts: non-coding transcript variant (10), missense variant (1), 5 prime UTR variant (1).
Genome position (GRCh38, 1-based): chr9:131,510,340, C>G. VCF-style: chr9-131510340-C-G. GRCh37 (hg19) VCF-style: chr9-134385727-C-G.
Other names: c.618C>G, p.Tyr206Ter (NM_001077366.2, NM_001353194.2, NM_001374693.1); c.780C>G, p.Tyr260Ter (NM_001136113.2, NM_001374690.1); c.429C>G, p.Tyr143Ter (NM_001136114.2, NM_001353195.2, NM_001374691.1 and 1 more transcripts); c.846C>G, p.Tyr282Ter (NM_001353193.2, NM_007171.4); c.690C>G, p.Tyr230Ter (NM_001353196.2); c.684C>G, p.Tyr228Ter (NM_001353197.2, NM_001353198.2); c.495C>G, p.Tyr165Ter (NM_001353199.2); c.324C>G, p.Tyr108Ter (NM_001353200.2); and 3 more; short protein forms R255G, Y108*, Y130*, Y143*, Y165*, Y206*, Y228*, Y230*.
Identifiers: ClinVar variation 3752938 (VCV003752938.2).
Genomic context (GRCh38, chr9:131,510,340, plus strand): 5'-GCTCGCCCGAGCAGTGGCTTTGCTGGTCATCCCGGTCGTCCTGTACTTACTGTTCTTCTA[C>G]GTCCACTTGATTCTAGTCTTCCGCTCTGGGCCCCACGACCAAATCATGTCCAGTGCCTTC-3'